The following is an entry in ClinVar:

ClinVar aggregate classification (germline): Uncertain significance (1 of 4 stars; one submission).

Conditions:
Cardiomyopathy (CMYO). Also called: Cardiomyopathies. Identifiers: Orphanet 167848, MedGen C0878544, MONDO:0004994, HP:0001638. Inheritance: Various modes of inheritance.

Submission:

Color Diagnostics, LLC DBA Color Health
Classification: Uncertain significance for Cardiomyopathy. Last evaluated: 2023-12-05. Review status: criteria provided, single submitter. Criteria: ACMG Guidelines, 2015. Collection method: clinical testing. Allele origin: germline.
Comment: This missense variant replaces glutamine with proline at codon 1677 of the DSP protein. Computational prediction tools and conservation analyses are inconclusive regarding the impact of this variant on the protein function. Computational splicing tools suggest that this variant may not impact RNA splicing. To our knowledge, functional assays have not been performed for this variant nor has this variant been reported in individuals affected with cardiovascular disorders in the literature. This variant has not been identified in the general population by the Genome Aggregation Database (gnomAD). Available evidence is insufficient to determine the role of this variant in disease conclusively. Therefore, this variant is classified as a Variant of Uncertain Significance.

NM_004415.4(DSP):c.5030A>C (p.Gln1677Pro)

Gene: DSP (desmoplakin; plus strand). Cytogenetic location: 6p24.3.
Variant type: single nucleotide variant.
Coding change: c.5030A>C on transcript NM_004415.4 (MANE Select); coding-DNA position 5030, A replaced by C.
Protein change: p.Gln1677Pro; replaces glutamine 1677 with proline.
Molecular consequence: missense variant. On other transcripts: intron variant (2).
Genome position (GRCh38, 1-based): chr6:7,581,220, A>C. VCF-style: chr6-7581220-A-C. GRCh37 (hg19) VCF-style: chr6-7581453-A-C.
Other names: c.4050+980A>C (NM_001319034.2); c.3583-1422A>C (NM_001008844.3); short protein forms Q1677P.
Identifiers: ClinVar variation 918261 (VCV000918261.5), dbSNP rs1759429222, ClinGen allele CA362687686.